The following is an entry in ClinVar:

NM_000548.5(TSC2):c.4130A>C (p.Gln1377Pro)

Gene: TSC2 (TSC complex subunit 2; plus strand). Cytogenetic location: 16p13.3.
Variant type: single nucleotide variant.
Coding change: c.4130A>C on transcript NM_000548.5 (MANE Select); coding-DNA position 4130, A replaced by C.
Protein change: p.Gln1377Pro; replaces glutamine 1377 with proline.
Molecular consequence: missense variant. On other transcripts: non-coding transcript variant (5).
Genome position (GRCh38, 1-based): chr16:2,084,352, A>C. VCF-style: chr16-2084352-A-C. GRCh37 (hg19) VCF-style: chr16-2134353-A-C.
Other names: c.3929A>C, p.Gln1310Pro (NM_001077183.3); c.4061A>C, p.Gln1354Pro (NM_001114382.3); c.3821A>C, p.Gln1274Pro (NM_001318827.2); c.3785A>C, p.Gln1262Pro (NM_001318829.2); c.3398A>C, p.Gln1133Pro (NM_001318831.2); c.3962A>C, p.Gln1321Pro (NM_001318832.2); c.3932A>C, p.Gln1311Pro (NM_001363528.2); c.3998A>C, p.Gln1333Pro (NM_001370404.1); and 26 more; short protein forms Q1307P, Q1310P, Q1311P, Q1317P, Q1321P, Q1333P, Q1334P, Q1340P.
Identifiers: ClinVar variation 3232161 (VCV003232161.1), dbSNP rs2151524153, ClinGen allele CA394299591.
Genomic context (GRCh38, chr16:2,084,352, plus strand): 5'-TCCCCATCGAGCGAGTCGTCTCCTCGGAGGGTGGCCGGCCCTCTGTGGACCTCTCCTTCC[A>C]GCCCTCGCAGCCCCTGAGCAAGTCCAGCTCCTCTCCCGAGCTGCAGACTCTGCAGGACAT-3'
Protein context (NP_000539.2, residues 1367-1387): GGRPSVDLSF[Gln1377Pro]PSQPLSKSSS

ClinVar aggregate classification (germline): Uncertain significance (1 of 4 stars; one submission).

Conditions:
Hereditary cancer-predisposing syndrome. Also called: Neoplastic Syndromes, Hereditary; Tumor predisposition; Hereditary neoplastic syndrome; Hereditary Cancer Syndrome. Identifiers: Orphanet 140162, MedGen C0027672, MeSH D009386, MONDO:0015356.

Submission:

Ambry Genetics
Classification: Uncertain significance for Hereditary cancer-predisposing syndrome. Last evaluated: 2024-02-23. Review status: criteria provided, single submitter. Criteria: Ambry Variant Classification Scheme 2023. Collection method: clinical testing. Allele origin: germline.
Comment: The p.Q1377P variant (also known as c.4130A>C), located in coding exon 33 of the TSC2 gene, results from an A to C substitution at nucleotide position 4130. The glutamine at codon 1377 is replaced by proline, an amino acid with similar properties. This amino acid position is conserved. In addition, this alteration is predicted to be deleterious by in silico analysis. Based on the available evidence, the clinical significance of this alteration remains unclear.